The following is an entry in ClinVar:

NM_152393.4(KLHL40):c.104G>A (p.Cys35Tyr)

Gene: KLHL40 (kelch like family member 40; plus strand). Cytogenetic location: 3p22.1.
Variant type: single nucleotide variant.
Coding change: c.104G>A on transcript NM_152393.4 (MANE Select); coding-DNA position 104, G replaced by A.
Protein change: p.Cys35Tyr; replaces cysteine 35 with tyrosine.
Molecular consequence: missense variant.
Genome position (GRCh38, 1-based): chr3:42,685,722, G>A. VCF-style: chr3-42685722-G-A. GRCh37 (hg19) VCF-style: chr3-42727214-G-A.
Other names: short protein forms C35Y.
Identifiers: ClinVar variation 1497634 (VCV001497634.5), dbSNP rs866611021, ClinGen allele CA74191611.

ClinVar aggregate classification (germline): Uncertain significance (1 of 4 stars; one submission).

Conditions:
Nemaline myopathy 8 (NEM8). Also called: Nemaline myopathy 8, autosomal recessive. Identifiers: Orphanet 171430, MedGen C3809209, MONDO:0014138, OMIM 615348.

Allele frequency attached by ClinVar (database versions not stated): gnomAD exomes below 0.00001.
gnomAD v4.1: 2 of 1,613,150 alleles (0.00012%); highest among the groups gnomAD compares: Middle Eastern, 0.033%; no homozygotes.

Submission:

Labcorp Genetics (formerly Invitae), Labcorp
Classification: Uncertain significance for Nemaline myopathy 8. Last evaluated: 2021-09-01. Review status: criteria provided, single submitter. Criteria: Invitae Variant Classification Sherloc (09022015). Collection method: clinical testing. Allele origin: germline.
Comment: This sequence change replaces cysteine with tyrosine at codon 35 of the KLHL40 protein (p.Cys35Tyr). The cysteine residue is highly conserved and there is a large physicochemical difference between cysteine and tyrosine. This variant is not present in population databases (ExAC no frequency). This variant has not been reported in the literature in individuals affected with KLHL40-related conditions. Algorithms developed to predict the effect of missense changes on protein structure and function are either unavailable or do not agree on the potential impact of this missense change (SIFT: "Deleterious"; PolyPhen-2: "Probably Damaging"; Align-GVGD: "Class C0"). In summary, the available evidence is currently insufficient to determine the role of this variant in disease. Therefore, it has been classified as a Variant of Uncertain Significance.